The following is an entry in ClinVar:

NM_016247.4(IMPG2):c.295G>A (p.Glu99Lys)

Gene: IMPG2 (interphotoreceptor matrix proteoglycan 2; minus strand). Cytogenetic location: 3q12.3.
Variant type: single nucleotide variant.
Coding change: c.295G>A on transcript NM_016247.4 (MANE Select); coding-DNA position 295, G replaced by A.
Protein change: p.Glu99Lys; replaces glutamic acid 99 with lysine.
Molecular consequence: missense variant.
Genome position (GRCh38, 1-based): chr3:101,319,623, C>T on the plus strand (G>A on the coding strand, the complement: IMPG2 is on the minus strand). VCF-style: chr3-101319623-C-T. GRCh37 (hg19) VCF-style: chr3-101038467-C-T.
Other names: short protein forms E99K.
Identifiers: ClinVar variation 1424330 (VCV001424330.29), dbSNP rs1339875350, ClinGen allele CA353857606.

ClinVar aggregate classification (germline): Uncertain significance. Review status: criteria provided, multiple submitters, no conflicts (2 of 4 stars). 2 submissions from 2 submitters: Uncertain significance (2). Last evaluated 2023-09-25.

Allele frequency attached by ClinVar (database versions not stated): gnomAD exomes below 0.00001; gnomAD 0.00001; TOPMed 0.00001.
gnomAD v4.1: 5 of 1,613,584 alleles (0.00031%); highest among the groups gnomAD compares: Middle Eastern, 0.016%; no homozygotes.

Submissions (2):

Labcorp Genetics (formerly Invitae), Labcorp
Classification: Uncertain significance. Last evaluated: 2023-09-25. Review status: criteria provided, single submitter. Criteria: Invitae Variant Classification Sherloc (09022015). Collection method: clinical testing. Allele origin: germline.
Comment: In summary, the available evidence is currently insufficient to determine the role of this variant in disease. Therefore, it has been classified as a Variant of Uncertain Significance. Algorithms developed to predict the effect of missense changes on protein structure and function output the following: SIFT: "Not Available"; PolyPhen-2: "Benign"; Align-GVGD: "Not Available". The lysine amino acid residue is found in multiple mammalian species, which suggests that this missense change does not adversely affect protein function. ClinVar contains an entry for this variant (Variation ID: 1424330). This variant has not been reported in the literature in individuals affected with IMPG2-related conditions. This variant is present in population databases (no rsID available, gnomAD 0.0008%). This sequence change replaces glutamic acid, which is acidic and polar, with lysine, which is basic and polar, at codon 99 of the IMPG2 protein (p.Glu99Lys).

CeGaT Center for Human Genetics Tuebingen
Classification: Uncertain significance. Last evaluated: 2023-09-01. Review status: criteria provided, single submitter. Criteria: CeGaT Center For Human Genetics Tuebingen Variant Classification Criteria Version 2. Collection method: clinical testing. Allele origin: germline. Affected: yes. Observed: 1 variant allele.
Comment: IMPG2: PM2, BP4